The following is an entry in ClinVar:

NM_001009944.3(PKD1):c.10013T>C (p.Leu3338Pro)

Gene: PKD1 (polycystin 1, transient receptor potential channel interacting; minus strand). Cytogenetic location: 16p13.3.
Variant type: single nucleotide variant.
Coding change: c.10013T>C on transcript NM_001009944.3 (MANE Select); coding-DNA position 10013, T replaced by C.
Protein change: p.Leu3338Pro; replaces leucine 3338 with proline.
Molecular consequence: missense variant.
Genome position (GRCh38, 1-based): chr16:2,099,681, A>G on the plus strand (T>C on the coding strand, the complement: PKD1 is on the minus strand). VCF-style: chr16-2099681-A-G. GRCh37 (hg19) VCF-style: chr16-2149682-A-G.
Other names: c.10013T>C, p.Leu3338Pro (NM_000296.4); short protein forms L3338P.
Identifiers: ClinVar variation 4531544 (VCV004531544.2).

ClinVar aggregate classification (germline): Uncertain significance. Review status: criteria provided, multiple submitters, no conflicts (2 of 4 stars). 2 submissions from 2 submitters: Uncertain significance (2). Last evaluated 2025-10-22.

Conditions:
Polycystic kidney disease, adult type (PKD1). Also called: Polycystic Kidney, Autosomal Dominant; POLYCYSTIC KIDNEY DISEASE, ADULT, TYPE I; Polycystic Kidney Disease 1, Autosomal Dominant; Polycystic kidney disease 1; Polycystic kidney disease 1, severe; POLYCYSTIC KIDNEY DISEASE 1 WITH OR WITHOUT POLYCYSTIC LIVER DISEASE. Identifiers: MedGen C3149841, MONDO:0008263, OMIM 173900.

Submissions (2):

Women's Health and Genetics/Laboratory Corporation of America, LabCorp
Classification: Uncertain significance. Last evaluated: 2025-10-22. Review status: criteria provided, single submitter. Criteria: LabCorp Variant Classification Summary - May 2015. Collection method: clinical testing. Allele origin: germline.
Comment: Variant summary: PKD1 c.10013T>C (p.Leu3338Pro) results in a non-conservative amino acid change in the encoded protein sequence. Algorithms developed to predict the effect of missense changes on protein structure and function are either unavailable or do not agree on the potential impact of this missense change. The variant was absent in 195750 control chromosomes. The available data on variant occurrences in the general population are insufficient to allow any conclusion about variant significance. To our knowledge, no occurrence of c.10013T>C in individuals affected with PKD1-related conditions and no experimental evidence demonstrating its impact on protein function have been reported. No submitters have cited clinical-significance assessments for this variant to ClinVar. Based on the evidence outlined above, the variant was classified as uncertain significance.

Victorian Clinical Genetics Services, Murdoch Childrens Research Institute
Classification: Uncertain significance for Polycystic kidney disease, adult type. Last evaluated: 2025-03-31. Review status: criteria provided, single submitter. Criteria: ACMG Guidelines, 2015. Collection method: clinical testing. Allele origin: germline. Affected: yes.
Comment: This variant is classified as VUS-3B. Evidence in support of pathogenic classification: Variant is absent from gnomAD (v2, v3 and v4). Additional information: Variant is predicted to result in a missense amino acid change from leucine to proline; This variant is heterozygous; This gene is associated with autosomal dominant disease. Polycystic kidney disease 1 (MIM#173900) is predominantly caused by monoallelic variants, with rare reports of biallelic variants causing disease (OMIM); This variant has no previous evidence of pathogenicity; No published segregation evidence has been identified for this variant; No published functional evidence has been identified for this variant; No comparable missense variants have previous evidence for pathogenicity; Variant is not located in an established domain, motif, hotspot or informative constraint region; Missense variant with inconclusive in silico prediction and uninformative conservation; Loss of function is a known mechanism of disease in this gene and is associated with polycystic kidney disease 1 (MIM#173900); Inheritance information for this variant is not currently available in this individual.